The following is an entry in ClinVar:

NM_003983.6(SLC7A6):c.78A>T (p.Glu26Asp)

Gene: SLC7A6 (solute carrier family 7 member 6; plus strand). Cytogenetic location: 16q22.1.
Variant type: single nucleotide variant.
Coding change: c.78A>T on transcript NM_003983.6 (MANE Select); coding-DNA position 78, A replaced by T.
Protein change: p.Glu26Asp; replaces glutamic acid 26 with aspartic acid.
Molecular consequence: missense variant.
Genome position (GRCh38, 1-based): chr16:68,274,804, A>T. VCF-style: chr16-68274804-A-T. GRCh37 (hg19) VCF-style: chr16-68308707-A-T.
Other names: c.78A>T, p.Glu26Asp (NM_001076785.3); short protein forms E26D.
Identifiers: ClinVar variation 3059041 (VCV003059041.2), dbSNP rs62636644, ClinGen allele CA8126162.
Genomic context (GRCh38, chr16:68,274,804, plus strand): 5'-TGGGAGGCCCACACCCACCTACCATCTTGTCCCTAACACCAGCCAGTCCCAGGTGGAAGA[A>T]GATGTCAGCTCGCCACCTCAAAGGTCCTCCGAAACTATGCAGCTGAAGAAGGAGATCTCC-3'
Protein context (NP_003974.3, residues 16-36): VPNTSQSQVE[Glu26Asp]DVSSPPQRSS

ClinVar aggregate classification (germline): Benign (0 of 4 stars; one submission).

Conditions:
SLC7A6-related disorder. Also called: SLC7A6-related condition.

Allele frequency attached by ClinVar (database versions not stated): ESP Exome Variant Server 0.00023; gnomAD exomes 0.00277; gnomAD 0.00608; TOPMed 0.00707; ExAC 0.00781; 1000 Genomes Project 0.00998; 1000 Genomes Project 30x 0.01031.
gnomAD v4.1: 4,961 of 1,614,138 alleles (0.31%); highest among the groups gnomAD compares: Admixed American, 4.5%; 100 homozygotes.

Submission:

PreventionGenetics, part of Exact Sciences
Classification: Benign for SLC7A6-related condition. Last evaluated: 2019-11-11. Review status: no assertion criteria provided. Collection method: clinical testing. Allele origin: germline.
Comment: This variant is classified as benign based on ACMG/AMP sequence variant interpretation guidelines (Richards et al. 2015 PMID: 25741868, with internal and published modifications).